The following is an entry in ClinVar:

ClinVar aggregate classification (germline): Uncertain significance (1 of 4 stars; one submission).

Submission:

Ambry Genetics
Classification: Uncertain significance. Last evaluated: 2022-09-24. Review status: criteria provided, single submitter. Criteria: Ambry Variant Classification Scheme 2023. Collection method: clinical testing. Allele origin: germline.
Comment: The p.L157F variant (also known as c.469C>T), located in coding exon 3 of the POLQ gene, results from a C to T substitution at nucleotide position 469. The leucine at codon 157 is replaced by phenylalanine, an amino acid with highly similar properties. This amino acid position is conserved. In addition, this alteration is predicted to be tolerated by in silico analysis. Since supporting evidence is limited at this time, the clinical significance of this alteration remains unclear.

NM_199420.4(POLQ):c.469C>T (p.Leu157Phe)

Gene: POLQ (DNA polymerase theta; minus strand). Cytogenetic location: 3q13.33.
Variant type: single nucleotide variant.
Coding change: c.469C>T on transcript NM_199420.4 (MANE Select); coding-DNA position 469, C replaced by T.
Protein change: p.Leu157Phe; replaces leucine 157 with phenylalanine.
Molecular consequence: missense variant.
Genome position (GRCh38, 1-based): chr3:121,541,354, G>A on the plus strand (C>T on the coding strand, the complement: POLQ is on the minus strand). VCF-style: chr3-121541354-G-A. GRCh37 (hg19) VCF-style: chr3-121260201-G-A.
Other names: short protein forms L157F.
Identifiers: ClinVar variation 1742512 (VCV001742512.2), dbSNP rs2546825859, ClinGen allele CA354092504.